The following is an entry in ClinVar:

NM_015335.5(MED13L):c.4471G>A (p.Glu1491Lys)

Gene: MED13L (mediator complex subunit 13L; minus strand). Cytogenetic location: 12q24.21.
Variant type: single nucleotide variant.
Coding change: c.4471G>A on transcript NM_015335.5 (MANE Select); coding-DNA position 4471, G replaced by A.
Protein change: p.Glu1491Lys; replaces glutamic acid 1491 with lysine.
Molecular consequence: missense variant.
Genome position (GRCh38, 1-based): chr12:115,984,240, C>T on the plus strand (G>A on the coding strand, the complement: MED13L is on the minus strand). VCF-style: chr12-115984240-C-T. GRCh37 (hg19) VCF-style: chr12-116422045-C-T.
Other names: short protein forms E1491K.
Identifiers: ClinVar variation 1036279 (VCV001036279.9), dbSNP rs757111256, ClinGen allele CA6810791.

ClinVar aggregate classification (germline): Uncertain significance (1 of 4 stars; one submission).

Conditions:
Dextro-looped transposition of the great arteries. Also called: Dextrotransposition of the great arteries. Identifiers: Orphanet 860, MedGen C3531771, MONDO:0019443, OMIM 608808, HP:0031348.

Allele frequency attached by ClinVar (database versions not stated): TOPMed below 0.00001; gnomAD exomes 0.00001; ExAC 0.00002.
gnomAD v4.1: 17 of 1,613,978 alleles (0.0011%); highest among the groups gnomAD compares: Non-Finnish European, 0.0014%; no homozygotes.

Submission:

Labcorp Genetics (formerly Invitae), Labcorp
Classification: Uncertain significance for Dextro-looped transposition of the great arteries. Last evaluated: 2024-05-22. Review status: criteria provided, single submitter. Criteria: Invitae Variant Classification Sherloc (09022015). Collection method: clinical testing. Allele origin: germline.
Comment: This sequence change replaces glutamic acid, which is acidic and polar, with lysine, which is basic and polar, at codon 1491 of the MED13L protein (p.Glu1491Lys). This variant is present in population databases (rs757111256, gnomAD 0.0009%). This variant has not been reported in the literature in individuals affected with MED13L-related conditions. ClinVar contains an entry for this variant (Variation ID: 1036279). Advanced modeling of protein sequence and biophysical properties (such as structural, functional, and spatial information, amino acid conservation, physicochemical variation, residue mobility, and thermodynamic stability) has been performed at Invitae for this missense variant, however the output from this modeling did not meet the statistical confidence thresholds required to predict the impact of this variant on MED13L protein function. In summary, the available evidence is currently insufficient to determine the role of this variant in disease. Therefore, it has been classified as a Variant of Uncertain Significance.